The following is an entry in ClinVar:

ClinVar aggregate classification (germline): Uncertain significance (1 of 4 stars; one submission).

Conditions:
Episodic kinesigenic dyskinesia (EKD). Also called: Paroxysmal kinesigenic dyskinesia. Identifiers: Orphanet 98809, MedGen C1868682, MONDO:0044202.

Submission:

Labcorp Genetics (formerly Invitae), Labcorp
Classification: Uncertain significance for Episodic kinesigenic dyskinesia. Last evaluated: 2022-06-26. Review status: criteria provided, single submitter. Criteria: Invitae Variant Classification Sherloc (09022015). Collection method: clinical testing. Allele origin: germline.
Comment: This sequence change replaces methionine, which is neutral and non-polar, with leucine, which is neutral and non-polar, at codon 11 of the PRRT2 protein (p.Met11Leu). This variant is present in population databases (no rsID available, gnomAD no frequency). This variant has not been reported in the literature in individuals affected with PRRT2-related conditions. Algorithms developed to predict the effect of missense changes on protein structure and function (SIFT, PolyPhen-2, Align-GVGD) all suggest that this variant is likely to be tolerated. In summary, the available evidence is currently insufficient to determine the role of this variant in disease. Therefore, it has been classified as a Variant of Uncertain Significance.

NM_145239.3(PRRT2):c.31A>C (p.Met11Leu)

Genes: MVP-DT (MVP divergent transcript; minus strand), PRRT2 (proline rich transmembrane protein 2; plus strand). Cytogenetic location: 16p11.2.
Variant type: single nucleotide variant.
Coding change: c.31A>C on transcript NM_145239.3 (MANE Select); coding-DNA position 31, A replaced by C.
Protein change: p.Met11Leu; replaces methionine 11 with leucine.
Molecular consequence: missense variant.
Genome position (GRCh38, 1-based): chr16:29,813,085, A>C. VCF-style: chr16-29813085-A-C. GRCh37 (hg19) VCF-style: chr16-29824406-A-C.
Other names: c.31A>C, p.Met11Leu (NM_001256442.2, NM_001256443.2); short protein forms M11L.
Identifiers: ClinVar variation 2174878 (VCV002174878.4), dbSNP rs746699261, ClinGen allele CA395477024.